The following is an entry in ClinVar:

ClinVar aggregate classification (germline): Uncertain significance. Review status: criteria provided, multiple submitters, no conflicts (2 of 4 stars). 2 submissions from 2 submitters: Uncertain significance (2). Last evaluated 2025-08-26.

Conditions:
Inborn genetic diseases. Identifiers: MedGen C0950123, MeSH D030342.
Multiple gastrointestinal atresias. Also called: FAMILIAL INTESTINAL POLYATRESIA SYNDROME; Multiple intestinal atresia. Identifiers: Orphanet 2300, MedGen C0220744, MONDO:0009465.

Allele frequency attached by ClinVar (database versions not stated): gnomAD exomes below 0.00001; TOPMed 0.00001; gnomAD 0.00004.
gnomAD v4.1: 11 of 1,613,702 alleles (0.00068%); highest among the groups gnomAD compares: African/African-American, 0.004%; no homozygotes.

Submissions (2):

Ambry Genetics
Classification: Uncertain significance for Inborn genetic diseases. Last evaluated: 2025-08-26. Review status: criteria provided, single submitter. Criteria: Ambry Variant Classification Scheme 2023. Collection method: clinical testing. Allele origin: germline.

Labcorp Genetics (formerly Invitae), Labcorp
Classification: Uncertain significance for Multiple gastrointestinal atresias. Last evaluated: 2022-11-01. Review status: criteria provided, single submitter. Criteria: Invitae Variant Classification Sherloc (09022015). Collection method: clinical testing. Allele origin: germline.
Comment: This sequence change replaces cysteine, which is neutral and slightly polar, with tyrosine, which is neutral and polar, at codon 812 of the TTC7A protein (p.Cys812Tyr). This variant is present in population databases (no rsID available, gnomAD 0.01%). This variant has not been reported in the literature in individuals affected with TTC7A-related conditions. ClinVar contains an entry for this variant (Variation ID: 1405179). Advanced modeling of protein sequence and biophysical properties (such as structural, functional, and spatial information, amino acid conservation, physicochemical variation, residue mobility, and thermodynamic stability) performed at Invitae indicates that this missense variant is not expected to disrupt TTC7A protein function. In summary, the available evidence is currently insufficient to determine the role of this variant in disease. Therefore, it has been classified as a Variant of Uncertain Significance.

NM_020458.4(TTC7A):c.2435G>A (p.Cys812Tyr)

Gene: TTC7A (tetratricopeptide repeat domain 7A; plus strand). Cytogenetic location: 2p21.
Variant type: single nucleotide variant.
Coding change: c.2435G>A on transcript NM_020458.4 (MANE Select); coding-DNA position 2435, G replaced by A.
Protein change: p.Cys812Tyr; replaces cysteine 812 with tyrosine.
Molecular consequence: missense variant.
Genome position (GRCh38, 1-based): chr2:47,073,781, G>A. VCF-style: chr2-47073781-G-A. GRCh37 (hg19) VCF-style: chr2-47300920-G-A.
Other names: c.2507G>A, p.Cys836Tyr (NM_001288951.2); c.2333G>A, p.Cys778Tyr (NM_001288953.2); c.1373G>A, p.Cys458Tyr (NM_001288955.2); c.2435G>A (NM_020458.2); short protein forms C458Y, C812Y, C778Y, C836Y.
Identifiers: ClinVar variation 1405179 (VCV001405179.6), dbSNP rs866127948, ClinGen allele CA46634899.
Genomic context (GRCh38, chr2:47,073,781, plus strand): 5'-TGGGCCACAAGAGCTTGGCCCAGAAGGTGCTTCGTGATGCCGTGGAGAGGCAGAGTACGT[G>A]CCACGAGGCGTGGCAGGGCCTGGGCGAGGTGCTGCAGGCCCAGGGCCAGAACGAGGCTGC-3'
Protein context (NP_065191.2, residues 802-822): LRDAVERQST[Cys812Tyr]HEAWQGLGEV